The following is an entry in ClinVar:

NM_004984.4(KIF5A):c.1056G>T (p.Lys352Asn)

Gene: KIF5A (kinesin family member 5A; plus strand). Cytogenetic location: 12q13.3.
Variant type: single nucleotide variant.
Coding change: c.1056G>T on transcript NM_004984.4 (MANE Select); coding-DNA position 1056, G replaced by T.
Protein change: p.Lys352Asn; replaces lysine 352 with asparagine.
Molecular consequence: missense variant.
Genome position (GRCh38, 1-based): chr12:57,569,622, G>T. VCF-style: chr12-57569622-G-T. GRCh37 (hg19) VCF-style: chr12-57963405-G-T.
Other names: c.789G>T, p.Lys263Asn (NM_001354705.2); short protein forms K263N, K352N.
Identifiers: ClinVar variation 931334 (VCV000931334.3), dbSNP rs769712123, ClinGen allele CA385502812.
Genomic context (GRCh38, chr12:57,569,622, plus strand): 5'-AGTAAATTTGGAGTTGACTGCTGAGCAGTGGAAGAAGAAATATGAGAAGGAGAAGGAGAA[G>T]ACAAAGGCCCAGAAGGAGACGATTGCGAAGCTGGAGGCTGAGCTGAGCCGGTGGCGCAAT-3'
Protein context (NP_004975.2, residues 342-362): WKKKYEKEKE[Lys352Asn]TKAQKETIAK

ClinVar aggregate classification (germline): Uncertain significance (1 of 4 stars; one submission).

Conditions:
Myoclonus, intractable, neonatal (NEIMY). Identifiers: MedGen C4310658, MONDO:0014979, OMIM 617235.

Submission:

Centre for Mendelian Genomics, University Medical Centre Ljubljana
Classification: Uncertain significance for Myoclonus, intractable, neonatal. Last evaluated: 2020-04-02. Review status: criteria provided, single submitter. Criteria: ACMG Guidelines, 2015. Collection method: clinical testing. Allele origin: unknown. Affected: yes.
Comment: This variant was classified as: Uncertain significance. The available evidence on this variant's pathogenicity is insufficient or conflicting. The following ACMG criteria were applied in classifying this variant: PM2,PP3.